The following is an entry in ClinVar:

NM_001258392.3(CLPB):c.1751A>G (p.Asn584Ser)

Gene: CLPB (ClpB family mitochondrial disaggregase; minus strand). Cytogenetic location: 11q13.4.
Variant type: single nucleotide variant.
Coding change: c.1751A>G on transcript NM_001258392.3 (MANE Select); coding-DNA position 1751, A replaced by G.
Protein change: p.Asn584Ser; replaces asparagine 584 with serine.
Molecular consequence: missense variant.
Genome position (GRCh38, 1-based): chr11:72,294,056, T>C on the plus strand (A>G on the coding strand, the complement: CLPB is on the minus strand). VCF-style: chr11-72294056-T-C. GRCh37 (hg19) VCF-style: chr11-72005100-T-C.
Other names: c.1664A>G, p.Asn555Ser (NM_001258393.3); c.1706A>G, p.Asn569Ser (NM_001258394.3); c.1841A>G, p.Asn614Ser (NM_030813.6); short protein forms N569S, N584S, N555S, N614S.
Identifiers: ClinVar variation 3672928 (VCV003672928.2).
Genomic context (GRCh38, chr11:72,294,056, plus strand): 5'-CTCATTTCTCAGGCTCCTGTGCTCACCTCATGTTTGATGGAGCGGGCGCCATAGTGCACA[T>C]TGTAGCCGTCGACCAGCACATCTGCCACCTCGCGGTCCCAGAGCAGCGTGATGTTGTGCC-3'
Protein context (NP_001245321.1, residues 574-594): EVADVLVDGY[Asn584Ser]VHYGARSIKH

ClinVar aggregate classification (germline): Uncertain significance (1 of 4 stars; one submission).

Conditions:
3-methylglutaconic aciduria, type VIIB (MGCA7B). Also called: 3-methylglutaconic aciduria, type VII, with cataracts, neurologic involvement and neutropenia; CLPB Deficiency; 3-methylglutaconic aciduria with cataracts, neurologic involvement and neutropenia. Identifiers: Orphanet 445038, MedGen C5676893, MONDO:0014561, OMIM 616271.

gnomAD v4.1: 15 of 1,614,026 alleles (0.00093%); highest among the groups gnomAD compares: African/African-American, 0.0027%; no homozygotes.

Submission:

Labcorp Genetics (formerly Invitae), Labcorp
Classification: Uncertain significance for 3-methylglutaconic aciduria, type VIIB. Last evaluated: 2025-07-15. Review status: criteria provided, single submitter. Criteria: Invitae Variant Classification Sherloc (09022015). Collection method: clinical testing. Allele origin: germline.
Comment: This sequence change replaces asparagine, which is neutral and polar, with serine, which is neutral and polar, at codon 614 of the CLPB protein (p.Asn614Ser). This variant is present in population databases (rs144147385, gnomAD 0.004%). This variant has not been reported in the literature in individuals affected with CLPB-related conditions. ClinVar contains an entry for this variant (Variation ID: 3672928). An algorithm developed to predict the effect of missense changes on protein structure and function (PolyPhen-2) suggests that this variant is likely to be disruptive. In summary, the available evidence is currently insufficient to determine the role of this variant in disease. Therefore, it has been classified as a Variant of Uncertain Significance.